The following is an entry in ClinVar:

ClinVar aggregate classification (germline): Uncertain significance (1 of 4 stars; one submission).

Allele frequency attached by ClinVar (database versions not stated): gnomAD exomes below 0.00001.
gnomAD v4.1: 2 of 1,614,176 alleles (0.00012%); highest among the groups gnomAD compares: South Asian, 0.0022%; no homozygotes.

Submission:

GeneDx
Classification: Uncertain significance. Last evaluated: 2022-07-06. Review status: criteria provided, single submitter. Criteria: GeneDx Variant Classification Process June 2021. Collection method: clinical testing. Allele origin: germline. Affected: yes.
Comment: Not observed at significant frequency in large population cohorts (gnomAD); In silico analysis supports that this missense variant does not alter protein structure/function; Has not been previously published as pathogenic or benign to our knowledge

NM_001378120.1(MBD5):c.4229A>G (p.Asn1410Ser)

Gene: MBD5 (methyl-CpG binding domain protein 5; plus strand). Cytogenetic location: 2q23.1.
Variant type: single nucleotide variant.
Coding change: c.4229A>G on transcript NM_001378120.1 (MANE Select); coding-DNA position 4229, A replaced by G.
Protein change: p.Asn1410Ser; replaces asparagine 1410 with serine.
Molecular consequence: missense variant.
Genome position (GRCh38, 1-based): chr2:148,489,861, A>G. VCF-style: chr2-148489861-A-G. GRCh37 (hg19) VCF-style: chr2-149247430-A-G.
Other names: c.3530A>G, p.Asn1177Ser (NM_018328.5); short protein forms N1177S, N1410S.
Identifiers: ClinVar variation 1696870 (VCV001696870.2), dbSNP rs1413458459, ClinGen allele CA348728290.